The following is an entry in ClinVar:

ClinVar aggregate classification (germline): Conflicting classifications of pathogenicity. Review status: criteria provided, conflicting classifications (1 of 4 stars). 18 submissions from 18 submitters: Likely pathogenic (1); Uncertain significance (3); Benign (1); Likely benign (10). 3 of the submissions do not count toward it. Last evaluated 2026-09-01.

Conditions:
Spastic paraplegia. Identifiers: MedGen C0037772, HP:0001258.
Hereditary spastic paraplegia. Also called: Familial spastic paraparesis. Identifiers: Orphanet 685, MedGen C0037773, MONDO:0019064. Disease mechanism: loss of function.
Charlevoix-Saguenay spastic ataxia (SACS). Also called: AUTOSOMAL RECESSIVE SPASTIC ATAXIA OF CHARLEVOIX-SAGUENAY; Spastic ataxia of Charlevoix-Saguenay; SPASTIC ATAXIA 6, AUTOSOMAL RECESSIVE. Identifiers: Orphanet 98, MedGen C1849140, MONDO:0010041, OMIM 270550.

Allele frequency attached by ClinVar (database versions not stated): 1000 Genomes Project 0.00300; ExAC 0.00316; gnomAD exomes 0.00318 and 0.00457; gnomAD 0.00326 and 0.00327; ESP Exome Variant Server 0.00346; TOPMed 0.00358; 1000 Genomes Project 30x 0.00375.
gnomAD v4.1: 7,110 of 1,613,956 alleles (0.44%); highest among the groups gnomAD compares: Non-Finnish European, 0.54%; 21 homozygotes.

Submissions (18):

CeGaT Center for Human Genetics Tuebingen
Classification: Likely benign. Last evaluated: 2026-09-01. Review status: criteria provided, single submitter. Criteria: CeGaT Center For Human Genetics Tuebingen Variant Classification Criteria Version 2. Collection method: clinical testing. Allele origin: germline. Affected: yes. Observed: 44 variant alleles.
Comment: SACS: BS2

Labcorp Genetics (formerly Invitae), Labcorp
Classification: Likely benign for Spastic paraplegia. Last evaluated: 2026-02-02. Review status: criteria provided, single submitter. Criteria: Invitae Variant Classification Sherloc (09022015). Collection method: clinical testing. Allele origin: germline.

Women's Health and Genetics/Laboratory Corporation of America, LabCorp
Classification: Likely benign. Last evaluated: 2024-12-09. Review status: criteria provided, single submitter. Criteria: LabCorp Variant Classification Summary - May 2015. Collection method: clinical testing. Allele origin: germline.
Comment: Variant summary: SACS c.13717A>C (p.Asn4573His) results in a conservative amino acid change in the encoded protein sequence. Three of five in-silico tools predict a benign effect of the variant on protein function. The variant allele was found at a frequency of 0.0044 in 1613956 control chromosomes, predominantly at a frequency of 0.0054 within the Non-Finnish European subpopulation in the gnomAD database (v.4.1), including 20 homozygotes. This suggests the variant is likely a benign polymorphism. c.13717A>C has been reported in the literature, primarily in the heterozygous state and in settings of multigene panel testing, in individuals affected with ataxias and other movement disorders, without strong evidence for causality (e.g. Vermeer_2009, Fogel_2012, Morais_2017, Martinez-Rubio_2022, OGorman_2019). These reports do not provide unequivocal conclusions about association of the variant with Autosomal Recessive Spastic Ataxia Of Charlevoix-Saguenay. To our knowledge, no experimental evidence demonstrating an impact on protein function has been reported. The following publications have been ascertained in the context of this evaluation (PMID: 22287014, 36233161, 28832565, 31519934, 19779133). ClinVar contains an entry for this variant (Variation ID: 193707). Based on the evidence outlined above, the variant was classified as likely benign

Blueprint Genetics
Classification: Likely benign. Last evaluated: 2024-11-26. Review status: criteria provided, single submitter. Criteria: ACMG Guidelines, 2015. Collection method: clinical testing. Allele origin: germline.

Athena Diagnostics
Classification: Benign. Last evaluated: 2023-10-16. Review status: criteria provided, single submitter. Criteria: Athena Diagnostics Criteria. Collection method: clinical testing. Allele origin: unknown.

Molecular Genetics, Royal Melbourne Hospital
Classification: Likely benign for Charlevoix-Saguenay spastic ataxia. Last evaluated: 2023-05-04. Review status: criteria provided, single submitter. Criteria: ACMG Guidelines, 2015. Collection method: clinical testing. Allele origin: germline. Affected: no.
Comment: European Non-Finnish population allele frequency is 0.4833% (rs34382952, 655/128756 alleles, 2 homozygotes in gnomAD v2.1). Based on the classification scheme RMH Modified ACMG/AMP Guidelines v1.5.1, this variant is classified as LIKELY BENIGN. Following criteria are met: BS1

PROSPAX: an integrated multimodal progression  chart in spastic ataxias, Center for Neurology; Hertie-Institute for Clinical Brain Research
Classification: Likely pathogenic for Charlevoix-Saguenay spastic ataxia. Last evaluated: 2022-01-01. Review status: criteria provided, single submitter. Criteria: ACMG Guidelines, 2015. Collection method: research. Allele origin: germline. Affected: yes.

Laboratory of Medical Genetics, National & Kapodistrian University of Athens
Classification: Uncertain significance for Charlevoix-Saguenay spastic ataxia. Last evaluated: 2021-08-10. Review status: criteria provided, single submitter. Criteria: ACMG Guidelines, 2015. Collection method: clinical testing. Allele origin: maternal. Affected: yes.

Genome-Nilou Lab
Classification: Likely benign for Charlevoix-Saguenay spastic ataxia. Last evaluated: 2021-05-18. Review status: criteria provided, single submitter. Criteria: ACMG Guidelines, 2015. Collection method: clinical testing. Allele origin: germline. Affected: no.

GeneDx
Classification: Likely benign. Last evaluated: 2021-04-23. Review status: criteria provided, single submitter. Criteria: GeneDx Variant Classification Process June 2021. Collection method: clinical testing. Allele origin: germline. Affected: yes.
Comment: This variant is associated with the following publications: (PMID: 23280630, 22162184, 22287014, 19779133, 28832565)

Genome Diagnostics Laboratory, The Hospital for Sick Children
Classification: Likely benign for Hereditary spastic paraplegia. Last evaluated: 2020-12-04. Review status: criteria provided, single submitter. Criteria: ACMG Guidelines, 2015. Collection method: clinical testing. Allele origin: germline. Affected: yes.

Illumina Laboratory Services, Illumina
Classification: Uncertain significance for Charlevoix-Saguenay spastic ataxia. Last evaluated: 2017-04-27. Review status: criteria provided, single submitter. Criteria: ICSL Variant Classification Criteria 13 December 2019. Collection method: clinical testing. Allele origin: germline.
Comment: This variant was observed as part of a predisposition screen in an ostensibly healthy population. A literature search was performed for the gene, cDNA change, and amino acid change (where applicable). Publications were found based on this search. However, the evidence from the literature, in combination with allele frequency data from public databases where available, was not sufficient to rule this variant in or out of causing disease. Therefore, this variant is classified as a variant of unknown significance.

Unit for Genetic & Epidemiological Research on Neurological Disorders, Instituto de Investigação e Inovação em Saúde
Classification: Uncertain significance for Hereditary spastic paraplegia. Last evaluated: 2017-03-07. Review status: criteria provided, single submitter. Criteria: Morais et al. (Eur J Hum Genet. 2017). Collection method: research. Allele origin: unknown. Affected: yes.

Eurofins Ntd Llc (ga)
Classification: Likely benign. Last evaluated: 2016-03-29. Review status: criteria provided, single submitter. Criteria: EGL Classification Definitions 2015. Collection method: clinical testing. Allele origin: germline. Observed: 2 variant alleles, 2 heterozygotes.

PreventionGenetics, part of Exact Sciences
Classification: Likely benign. Review status: criteria provided, single submitter. Criteria: ACMG Guidelines, 2015. Collection method: clinical testing. Allele origin: germline.

Natera, Inc.
Classification: Likely benign for Charlevoix-Saguenay type spastic ataxia. Last evaluated: 2020-01-02. Review status: no assertion criteria provided. Collection method: clinical testing. Allele origin: germline. Not counted in ClinVar's aggregate classification.

Counsyl
Classification: Benign for Charlevoix-Saguenay spastic ataxia. Last evaluated: 2018-05-23. Review status: no assertion criteria provided. Collection method: clinical testing. Allele origin: unknown. Not counted in ClinVar's aggregate classification.

Mayo Clinic Laboratories, Mayo Clinic
Classification: Uncertain significance. Last evaluated: 2016-03-15. Review status: no assertion criteria provided. Collection method: clinical testing. Allele origin: unknown. Not counted in ClinVar's aggregate classification.

Literature cited by the submitters: PubMed 19779133 (cited by 4 submitters); PubMed 22287014 (cited by 4 submitters); PubMed 36233161 (cited by Women's Health and Genetics/Laboratory Corporation of America, LabCorp and Athena Diagnostics); PubMed 28832565 (cited by 3 submitters); PubMed 31519934 (cited by Women's Health and Genetics/Laboratory Corporation of America, LabCorp).

NM_014363.6(SACS):c.13717A>C (p.Asn4573His)

Gene: SACS (sacsin molecular chaperone; minus strand). Cytogenetic location: 13q12.12.
Variant type: single nucleotide variant.
Coding change: c.13717A>C on transcript NM_014363.6 (MANE Select); coding-DNA position 13717, A replaced by C.
Protein change: p.Asn4573His; replaces asparagine 4573 with histidine.
Molecular consequence: missense variant.
Genome position (GRCh38, 1-based): chr13:23,330,159, T>G on the plus strand (A>C on the coding strand, the complement: SACS is on the minus strand). VCF-style: chr13-23330159-T-G. GRCh37 (hg19) VCF-style: chr13-23904298-T-G.
Other names: c.13276A>C, p.Asn4426His (NM_001278055.2); short protein forms N4573H, N4426H.
Identifiers: ClinVar variation 193707 (VCV000193707.78), dbSNP rs34382952, ClinGen allele CA239310.